The following is an entry in ClinVar:

ClinVar aggregate classification (germline): Uncertain significance (1 of 4 stars; one submission).

Conditions:
Gorlin syndrome. Also called: Basal cell nevus syndrome; Nevoid Basal Cell Carcinoma Syndrome. Identifiers: Orphanet 377, MedGen C0004779, MONDO:0007187.

gnomAD v4.1: 11 of 1,614,168 alleles (0.00068%); highest among the groups gnomAD compares: Non-Finnish European, 0.00076%; no homozygotes.

Submission:

Labcorp Genetics (formerly Invitae), Labcorp
Classification: Uncertain significance for Gorlin syndrome. Last evaluated: 2024-03-17. Review status: criteria provided, single submitter. Criteria: Invitae Variant Classification Sherloc (09022015). Collection method: clinical testing. Allele origin: germline.
Comment: This sequence change replaces serine, which is neutral and polar, with phenylalanine, which is neutral and non-polar, at codon 287 of the PTCH2 protein (p.Ser287Phe). This variant is not present in population databases (gnomAD no frequency). This variant has not been reported in the literature in individuals affected with PTCH2-related conditions. Advanced modeling of protein sequence and biophysical properties (such as structural, functional, and spatial information, amino acid conservation, physicochemical variation, residue mobility, and thermodynamic stability) has been performed at Invitae for this missense variant, however the output from this modeling did not meet the statistical confidence thresholds required to predict the impact of this variant on PTCH2 protein function. In summary, the available evidence is currently insufficient to determine the role of this variant in disease. Therefore, it has been classified as a Variant of Uncertain Significance.

NM_003738.5(PTCH2):c.860C>T (p.Ser287Phe)

Gene: PTCH2 (patched 2; minus strand). Cytogenetic location: 1p34.1.
Variant type: single nucleotide variant.
Coding change: c.860C>T on transcript NM_003738.5 (MANE Select); coding-DNA position 860, C replaced by T.
Protein change: p.Ser287Phe; replaces serine 287 with phenylalanine.
Molecular consequence: missense variant.
Genome position (GRCh38, 1-based): chr1:44,829,984, G>A on the plus strand (C>T on the coding strand, the complement: PTCH2 is on the minus strand). VCF-style: chr1-44829984-G-A. GRCh37 (hg19) VCF-style: chr1-45295656-G-A.
Other names: c.860C>T, p.Ser287Phe (NM_001166292.2); short protein forms S287F.
Identifiers: ClinVar variation 3688457 (VCV003688457.2).